The following is an entry in ClinVar:

ClinVar aggregate classification (germline): Conflicting classifications of pathogenicity. Review status: criteria provided, conflicting classifications (1 of 4 stars). 2 submissions from 2 submitters: Likely pathogenic (1); Uncertain significance (1). Last evaluated 2025-05-19.

Conditions:
Spinocerebellar ataxia, autosomal recessive 22 (SCAR22). Identifiers: MedGen C4310781, MONDO:0014845, OMIM 616948.
VWA3B-related disorder. Also called: VWA3B-related condition.

Submissions (2):

First Genomix Gene Laboratory, Genetic Diagnostics Department
Classification: Likely pathogenic for Spinocerebellar ataxia, autosomal recessive 22. Last evaluated: 2025-05-19. Review status: criteria provided, single submitter. Criteria: ACMG Guidelines, 2015. Collection method: clinical testing. Allele origin: germline. Inheritance: Autosomal recessive inheritance. Affected: no. Observed: 1 variant allele.

PreventionGenetics, part of Exact Sciences
Classification: Uncertain significance for VWA3B-related condition. Last evaluated: 2025-03-27. Review status: criteria provided, single submitter. Criteria: ACMG Guidelines, 2015. Collection method: clinical testing. Allele origin: germline.
Comment: The VWA3B c.2072delT variant is predicted to result in a frameshift and premature protein termination (p.Leu691Argfs*12). To our knowledge, this variant has not been reported in the literature. This variant is reported in 0.025% of alleles in individuals of African descent in gnomAD. At this time, the clinical significance of this variant is uncertain due to the absence of conclusive functional and genetic evidence.

NM_144992.5(VWA3B):c.2072del (p.Leu691fs)

Gene: VWA3B (von Willebrand factor A domain containing 3B; plus strand). Cytogenetic location: 2q11.2.
Variant type: Deletion.
Coding change: c.2072del on transcript NM_144992.5 (MANE Select); coding-DNA position 2072, one base deleted (T; older notation c.2072delT).
Protein change: p.Leu691fs; shifts the reading frame from leucine 691.
Molecular consequence: frameshift variant. On other transcripts: non-coding transcript variant (3).
Genome position (GRCh38, 1-based): chr2:98,228,254, T deleted. VCF-style (leftmost placement, unchanged base first): chr2-98228253-CT-C. GRCh37 (hg19) VCF-style: chr2-98844716-CT-C.
Other names: c.1043del, p.Leu348fs (NM_001345864.2); c.2072delT (NM_144992.5, NM_144992.4); short protein forms L348fs, L691fs.
Identifiers: ClinVar variation 4849280 (VCV004849280.2).